The following is an entry in ClinVar:

NM_001164508.2(NEB):c.1493A>G (p.Asp498Gly)

Gene: NEB (nebulin; minus strand). Cytogenetic location: 2q23.3.
Variant type: single nucleotide variant.
Coding change: c.1493A>G on transcript NM_001164508.2 (MANE Select); coding-DNA position 1493, A replaced by G.
Protein change: p.Asp498Gly; replaces aspartic acid 498 with glycine.
Molecular consequence: missense variant.
Genome position (GRCh38, 1-based): chr2:151,696,713, T>C on the plus strand (A>G on the coding strand, the complement: NEB is on the minus strand). VCF-style: chr2-151696713-T-C. GRCh37 (hg19) VCF-style: chr2-152553227-T-C.
Other names: NM_001164508.2(NEB):c.1493A>G; p.Asp498Gly; c.1493A>G, p.Asp498Gly (NM_001164507.2, NM_001271208.2, NM_004543.5); short protein forms D498G.
Identifiers: ClinVar variation 533979 (VCV000533979.18), dbSNP rs1255744452, ClinGen allele CA348825220.

ClinVar aggregate classification (germline): Likely pathogenic. Review status: reviewed by expert panel (3 of 4 stars). 11 submissions from 10 submitters: Likely pathogenic (1). 10 of the submissions do not count toward it. Last evaluated 2025-03-10.

Conditions:
Nemaline myopathy. Also called: Myopathies, Nemaline. Identifiers: Orphanet 607, MedGen C0206157, MONDO:0018958.
Nemaline myopathy 2 (NEM2). Also called: Nemaline myopathy 2, autosomal recessive. Identifiers: MedGen C1850569, MONDO:0009725, OMIM 256030.
Arthrogryposis multiplex congenita 6. Identifiers: MedGen C5543431, MONDO:0030281, OMIM 619334.

Allele frequency attached by ClinVar (database versions not stated): gnomAD exomes below 0.00001; gnomAD 0.00001.
gnomAD v4.1: 6 of 1,613,718 alleles (0.00037%); highest among the groups gnomAD compares: Admixed American, 0.005%; no homozygotes.

Submissions (11):

ClinGen Congenital Myopathies Variant Curation Expert Panel, ClinGen
Classification: Likely pathogenic for Nemaline myopathy. Last evaluated: 2025-03-10. Review status: reviewed by expert panel. Criteria: ClinGen CongenMyopathy ACMG Specifications NEB V1.0.0. Collection method: curation. Allele origin: germline. Inheritance: Autosomal recessive inheritance.
Comment: The NM_001164508.2 c.1493A>G (p.Asp498Gly) variant in NEB is a missense variant predicted to cause a substitution of aspartic acid by glycine at amino acid 498. The highest population minor allele frequency in gnomAD v4.1.0 is 0.00005120 (1/19532) alleles) in East Asian population, which is lower than the ClinGen Congenital Myopathies VCEP threshold (≤0.0000559) for PM2_Supporting, meeting this criterion (PM2_Supporting). This variant has previously been observed in probands who have had nemaline bodies on muscle biopsy (PMID:32403337; Invitae internal data SCV000659742.9) (PP4). The variant has previously been reported in trans with pathogenic variants or rare variants of uncertain significance in 4 probands with clinical features of congenital myopathy (PMID: 33333461; Synnovis internal data SCV001468505.1; Invitae internal data SCV000659742.9) (PM3_Strong). In summary, this variant meets the criteria to be classified as likely pathogenic for Nemaline Myopathy for autosomal recessive inheritance based on the ACMG/AMP criteria applied as specified by the ClinGen Congenital Myopathy VCEP: (PM3_Strong, PP4, PM2_Supporting; ClinGen Congenital Myopathies VCEP Specifications version 1.0.0; 3/10/2025).

Myriad Genetics, Inc.
Classification: Likely pathogenic for Nemaline myopathy 2. Last evaluated: 2026-08-05. Review status: criteria provided, single submitter. Criteria: Myriad Autosomal Dominant, Autosomal Recessive and X-Linked Classification Criteria (2023). Collection method: clinical testing. Allele origin: unknown. Not counted in ClinVar's aggregate classification.
Comment: NM_001271208.1(NEB):c.1493A>G(D498G) is a missense variant classified as likely pathogenic in the context of NEB-related nemaline myopathy. D498G has been observed in cases with relevant disease (PMID: 32403337, 40661861, Vega_2025_(Article)). Relevant functional assessments of this variant are not available in the literature. D498G has been observed in referenced population frequency databases. In summary, NM_001271208.1(NEB):c.1493A>G(D498G) is a missense variant that has been observed more frequently in cases with the relevant disease than in healthy populations. Please note: this variant was assessed in the context of healthy population screening.

Natera, Inc.
Classification: Likely pathogenic for Nemaline myopathy type 2. Last evaluated: 2025-10-28. Review status: criteria provided, single submitter. Criteria: Natera Variant Classification Schema (03/2026). Collection method: clinical testing. Allele origin: germline. Not counted in ClinVar's aggregate classification.
Comment: The c.1493A>G variant in NEB is a missense variant predicted to cause substitution of aspartic acid to glycine at amino acid 498. This variant is rare in the general population with a frequency below the threshold expected for the associated phenotype(s). This variant has been observed in one or more individuals affected with the associated recessive disease, as either homozygous or compound heterozygous with a second variant (PMID: 32403337, 40661861). Computational prediction algorithms indicate this variant is likely to affect gene or protein function. Given the available evidence, this variant is classified as Likely Pathogenic.

3billion
Classification: Likely pathogenic for Nemaline myopathy 2. Last evaluated: 2025-09-26. Review status: criteria provided, single submitter. Criteria: ACMG Guidelines, 2015. Collection method: clinical testing. Allele origin: germline. Affected: yes. Not counted in ClinVar's aggregate classification.
Comment: The variant is observed at an extremely low frequency in the gnomAD v4.1.0 dataset (total allele frequency: <0.001%). Predicted Consequence/Location: Missense variant. The majority of the known disease-causing variants of this gene are variants expected to result in premature termination of the protein. In silico tools predict the variant to alter splicing and produce an abnormal transcript [SpliceAI: 0.28 (>=0.2, moderate evidence for spliceogenicity)]. The same nucleotide change resulting in the same amino acid change has been previously reported as pathogenic/likely pathogenic with strong evidence (ClinVar ID: VCV000533979 /PMID: 32403337). Therefore, this variant is classified as Likely pathogenic according to the recommendation of ACMG/AMP guideline.

Women's Health and Genetics/Laboratory Corporation of America, LabCorp
Classification: Likely pathogenic for Nemaline myopathy. Last evaluated: 2025-09-18. Review status: criteria provided, single submitter. Criteria: LabCorp Variant Classification Summary - May 2015. Collection method: clinical testing. Allele origin: germline. Not counted in ClinVar's aggregate classification.
Comment: Variant summary: NEB c.1493A>G (p.Asp498Gly) results in a non-conservative amino acid change in the encoded protein sequence. Algorithms developed to predict the effect of missense changes on protein structure and function are either unavailable or do not agree on the potential impact of this missense change. The variant allele was found at a frequency of 4e-06 in 249190 control chromosomes (gnomAD). c.1493A>G has been observed in individuals affected with Nemaline Myopathy 2 (example: Gonzalez-Quered_2020, internal data). These data indicate that the variant is likely to be associated with disease. To our knowledge, no experimental evidence demonstrating an impact on protein function has been reported. The following publications have been ascertained in the context of this evaluation (PMID: 33333461, 32403337). ClinVar contains an entry for this variant (Variation ID: 533979). Based on the evidence outlined above, the variant was classified as likely pathogenic.

Labcorp Genetics (formerly Invitae), Labcorp
Classification: Pathogenic for Nemaline myopathy 2. Last evaluated: 2025-08-08. Review status: criteria provided, single submitter. Criteria: Invitae Variant Classification Sherloc (09022015). Collection method: clinical testing. Allele origin: germline. Not counted in ClinVar's aggregate classification.
Comment: This sequence change replaces aspartic acid, which is acidic and polar, with glycine, which is neutral and non-polar, at codon 498 of the NEB protein (p.Asp498Gly). This variant is present in population databases (no rsID available, gnomAD 0.005%). This missense change has been observed in individual(s) with nemaline myopathy (PMID: 32403337; internal data). In at least one individual the data is consistent with being in trans (on the opposite chromosome) from a pathogenic variant. ClinVar contains an entry for this variant (Variation ID: 533979). Experimental studies and prediction algorithms are not available or were not evaluated, and the functional significance of this variant is currently unknown. Algorithms developed to predict the effect of sequence changes on RNA splicing suggest that this variant may disrupt the consensus splice site. For these reasons, this variant has been classified as Pathogenic.

Greenwood Genetic Center Diagnostic Laboratories, Greenwood Genetic Center
Classification: Likely pathogenic for Nemaline myopathy 2. Last evaluated: 2023-12-22. Review status: criteria provided, single submitter. Criteria: ACMG Guidelines, 2015. Collection method: clinical testing. Allele origin: germline. Affected: yes. Not counted in ClinVar's aggregate classification.
Comment: PM2, PM3_Strong, PP3

Baylor Genetics
Classification: Likely pathogenic for Arthrogryposis multiplex congenita 6. Last evaluated: 2023-09-27. Review status: criteria provided, single submitter. Criteria: ACMG Guidelines, 2015. Collection method: clinical testing. Allele origin: unknown. Not counted in ClinVar's aggregate classification.

GeneDx
Classification: Uncertain significance. Last evaluated: 2023-02-10. Review status: criteria provided, single submitter. Criteria: GeneDx Variant Classification Process June 2021. Collection method: clinical testing. Allele origin: germline. Affected: yes. Not counted in ClinVar's aggregate classification.
Comment: Not observed at significant frequency in large population cohorts (gnomAD); In silico analysis suggests this variant may impact gene splicing. In the absence of RNA/functional studies, the actual effect of this sequence change is unknown.; In silico analysis supports that this missense variant does not alter protein structure/function; This variant is associated with the following publications: (PMID: 32403337, 33333461)

Baylor Genetics
Classification: Uncertain significance for Nemaline myopathy 2. Last evaluated: 2020-01-06. Review status: criteria provided, single submitter. Criteria: ACMG Guidelines, 2015. Collection method: clinical testing. Allele origin: unknown. Affected: yes. Not counted in ClinVar's aggregate classification.
Comment: This variant was determined to be of uncertain significance according to ACMG Guidelines, 2015 [PMID:25741868].

Broad Center for Mendelian Genomics, Broad Institute of MIT and Harvard
Classification: Uncertain significance for Nemaline myopathy. Last evaluated: 2025-03-21. Review status: flagged submission. Criteria: ACMG Guidelines, 2015. Collection method: curation. Allele origin: germline. Inheritance: Autosomal recessive inheritance. Not counted in ClinVar's aggregate classification.
Comment: The p.Asp498Gly variant in NEB has been reported, in the compound heterozygous state, in one individual with nemaline myopathy (PMID: 32403337), and has been identified in 0.005% (3/59998) of Latino/Admixed chromosomes by the Genome Aggregation Database (gnomAD; dbSNP ID: rs1255744452). Although this variant has been seen in the general population in a heterozygous state, its frequency is low enough to be consistent with a recessive carrier frequency. This variant has also been reported in ClinVar (Variation ID: 533979) and has been interpreted as a variant of uncertain significance by Baylor Genetics, Natera Inc., and GeneDx and as pathogenic by Invitae. Computational prediction tools and conservation analyses suggest that this variant may impact the protein, though this information is not predictive enough to determine pathogenicity. The phenotype of an individual heterozygous for this variant is highly specific for nemaline myopathy based on the presence of nemaline rods consistent with disease (PMID: 32403337). In summary, the clinical significance of the p.Asp498Gly variant is uncertain. ACMG/AMP Criteria applied: PP3, PP4, PM2_supporting, PM3_supporting (Richards 2015).
ClinVar note: Reason: Conflicts with expert reviewed submission without evidence to support different classification

Literature cited by the submitters: PubMed 32403337 (cited by 4 submitters); PubMed 40661861 (cited by Natera, Inc.); PubMed 33333461 (cited by Women's Health and Genetics/Laboratory Corporation of America, LabCorp).